The following is an entry in ClinVar:

NM_006767.4(LZTR1):c.594-6A>G

Gene: LZTR1 (leucine zipper like post translational regulator 1; plus strand). Cytogenetic location: 22q11.21.
Variant type: single nucleotide variant.
Coding change: c.594-6A>G on transcript NM_006767.4 (MANE Select); 6 bases into the intron before coding-DNA position 594, A replaced by G.
Molecular consequence: intron variant.
Genome position (GRCh38, 1-based): chr22:20,989,619, A>G. VCF-style: chr22-20989619-A-G. GRCh37 (hg19) VCF-style: chr22-21343908-A-G.
Identifiers: ClinVar variation 2102216 (VCV002102216.5), dbSNP rs2518614826, ClinGen allele CA2580099191.

ClinVar aggregate classification (germline): Uncertain significance. Review status: criteria provided, multiple submitters, no conflicts (2 of 4 stars). 2 submissions from 2 submitters: Uncertain significance (2). Last evaluated 2022-02-22.

Submissions (2):

Labcorp Genetics (formerly Invitae), Labcorp
Classification: Uncertain significance. Last evaluated: 2022-02-22. Review status: criteria provided, single submitter. Criteria: Invitae Variant Classification Sherloc (09022015). Collection method: clinical testing. Allele origin: germline.
Comment: This sequence change falls in intron 6 of the LZTR1 gene. It does not directly change the encoded amino acid sequence of the LZTR1 protein. In summary, the available evidence is currently insufficient to determine the role of this variant in disease. Therefore, it has been classified as a Variant of Uncertain Significance. Algorithms developed to predict the effect of sequence changes on RNA splicing suggest that this variant may disrupt the consensus splice site. This variant has not been reported in the literature in individuals affected with LZTR1-related conditions. This variant is not present in population databases (gnomAD no frequency).

Blueprint Genetics
Classification: Uncertain significance. Last evaluated: 2022-01-24. Review status: criteria provided, single submitter. Criteria: ACMG Guidelines, 2015. Collection method: clinical testing. Allele origin: germline.